The following is an entry in ClinVar:

NM_001142966.3(GREB1L):c.2832C>G (p.Ile944Met)

Gene: GREB1L (GREB1 like retinoic acid receptor coactivator; plus strand). Cytogenetic location: 18q11.1.
Variant type: single nucleotide variant.
Coding change: c.2832C>G on transcript NM_001142966.3 (MANE Select); coding-DNA position 2832, C replaced by G.
Protein change: p.Ile944Met; replaces isoleucine 944 with methionine.
Molecular consequence: missense variant.
Genome position (GRCh38, 1-based): chr18:21,490,153, C>G. VCF-style: chr18-21490153-C-G. GRCh37 (hg19) VCF-style: chr18-19070114-C-G.
Other names: c.2961C>G, p.Ile987Met (NM_001410867.1); c.2505C>G, p.Ile835Met (NM_001410868.1); short protein forms I835M, I944M, I987M.
Identifiers: ClinVar variation 3778476 (VCV003778476.7).

ClinVar aggregate classification (germline): Uncertain significance (1 of 4 stars; one submission).

Submission:

CeGaT Center for Human Genetics Tuebingen
Classification: Uncertain significance. Last evaluated: 2025-03-01. Review status: criteria provided, single submitter. Criteria: CeGaT Center For Human Genetics Tuebingen Variant Classification Criteria Version 2. Collection method: clinical testing. Allele origin: germline. Affected: yes. Observed: 1 variant allele.
Comment: GREB1L: PM2, BP4